The following is an entry in ClinVar:

NM_032043.3(BRIP1):c.1697del (p.Asp566fs)

Gene: BRIP1 (BRCA1 interacting DNA helicase 1; minus strand). Cytogenetic location: 17q23.2.
Variant type: Deletion.
Coding change: c.1697del on transcript NM_032043.3 (MANE Select); coding-DNA position 1697, one base deleted (A; older notation c.1697delA).
Protein change: p.Asp566fs; shifts the reading frame from aspartic acid 566.
Molecular consequence: frameshift variant.
Genome position (GRCh38, 1-based): chr17:61,780,937, T deleted on the plus strand (A on the coding strand, the reverse complement: BRIP1 is on the minus strand). VCF-style (leftmost placement, unchanged base first): chr17-61780936-GT-G. GRCh37 (hg19) VCF-style: chr17-59858297-GT-G.
Other names: c.1697delA (NM_032043.2); short protein forms D566fs.
Identifiers: ClinVar variation 836103 (VCV000836103.12), dbSNP rs2077609777, ClinGen allele CA916081905.

ClinVar aggregate classification (germline): Pathogenic. Review status: criteria provided, multiple submitters, no conflicts (2 of 4 stars). 3 submissions from 3 submitters: Pathogenic (3). Last evaluated 2023-12-14.

Conditions:
Familial cancer of breast. Also called: BREAST CANCER, FAMILIAL; hereditary breast carcinoma; Hereditary breast cancer. Identifiers: Orphanet 227535, MedGen C0346153, MONDO:0016419, OMIM 114480. Disease mechanism: loss of function.
Fanconi anemia complementation group J. Also called: BRIP1-Related Fanconi Anemia. Identifiers: Orphanet 84, MedGen C1836860, MONDO:0012187, OMIM 609054.
Hereditary cancer-predisposing syndrome. Also called: Neoplastic Syndromes, Hereditary; Hereditary neoplastic syndrome; Tumor predisposition; Hereditary Cancer Syndrome. Identifiers: Orphanet 140162, MedGen C0027672, MeSH D009386, MONDO:0015356.

Submissions (3):

Labcorp Genetics (formerly Invitae), Labcorp
Classification: Pathogenic for Familial cancer of breast; Fanconi anemia complementation group J. Last evaluated: 2023-12-14. Review status: criteria provided, single submitter. Criteria: Invitae Variant Classification Sherloc (09022015). Collection method: clinical testing. Allele origin: germline.
Comment: This sequence change creates a premature translational stop signal (p.Asp566Alafs*24) in the BRIP1 gene. It is expected to result in an absent or disrupted protein product. Loss-of-function variants in BRIP1 are known to be pathogenic (PMID: 16116423, 17033622, 21964575). This variant is not present in population databases (gnomAD no frequency). This variant has not been reported in the literature in individuals affected with BRIP1-related conditions. ClinVar contains an entry for this variant (Variation ID: 836103). For these reasons, this variant has been classified as Pathogenic.

Myriad Genetics, Inc.
Classification: Pathogenic for Familial cancer of breast. Last evaluated: 2023-06-05. Review status: criteria provided, single submitter. Criteria: Myriad Autosomal Dominant, Autosomal Recessive and X-Linked Classification Criteria (2023). Collection method: clinical testing. Allele origin: unknown.
Comment: This variant is considered pathogenic. This variant creates a frameshift predicted to result in premature protein truncation.

Ambry Genetics
Classification: Pathogenic for Hereditary cancer-predisposing syndrome. Last evaluated: 2021-12-23. Review status: criteria provided, single submitter. Criteria: Ambry Variant Classification Scheme 2023. Collection method: clinical testing. Allele origin: germline.
Comment: The c.1697delA pathogenic mutation, located in coding exon 11 of the BRIP1 gene, results from a deletion of one nucleotide at nucleotide position 1697, causing a translational frameshift with a predicted alternate stop codon (p.D566Afs*24). This variant is considered to be rare based on population cohorts in the Genome Aggregation Database (gnomAD). This alteration is expected to result in loss of function by premature protein truncation or nonsense-mediated mRNA decay. As such, this alteration is interpreted as a disease-causing mutation.

Literature cited by the submitters: PubMed 16116423 (cited by Labcorp Genetics (formerly Invitae), Labcorp); PubMed 17033622 (cited by Labcorp Genetics (formerly Invitae), Labcorp); PubMed 21964575 (cited by Labcorp Genetics (formerly Invitae), Labcorp).